The following is an entry in ClinVar:

NM_001032283.3(TMPO):c.565+2136T>G

Gene: TMPO (thymopoietin; plus strand). Cytogenetic location: 12q23.1.
Variant type: single nucleotide variant.
Coding change: c.565+2136T>G on transcript NM_001032283.3 (MANE Select); 2136 bases into the intron after coding-DNA position 565, T replaced by G.
Molecular consequence: intron variant. On other transcripts: missense variant (1).
Genome position (GRCh38, 1-based): chr12:98,533,974, T>G. VCF-style: chr12-98533974-T-G. GRCh37 (hg19) VCF-style: chr12-98927752-T-G.
Other names: c.1717T>G, p.Tyr573Asp (NM_003276.2); c.565+2136T>G (NM_001307975.2, NM_001032284.3); short protein forms Y573D.
Identifiers: ClinVar variation 2447962 (VCV002447962.2), dbSNP rs1024606476, ClinGen allele CA242225204.
Genomic context (GRCh38, chr12:98,533,974, plus strand): 5'-ATTCAAGCAGCCTCCACTGAGTCTTGCAATCAGCAGTTGGACTTAGCACTCTGTAGAGCA[T>G]ATGAAGCTGCAGCATCAGCATTGCAGATTGCAACTCACACTGCCTTTGTAGCTAAGGCTA-3'

ClinVar aggregate classification (germline): Uncertain significance (1 of 4 stars; one submission).

Allele frequency attached by ClinVar (database versions not stated): gnomAD 0.00001; TOPMed 0.00002.
gnomAD v4.1: 4 of 1,610,422 alleles (0.00025%); highest among the groups gnomAD compares: African/African-American, 0.0053%; no homozygotes.

Submission:

Ambry Genetics
Classification: Uncertain significance. Last evaluated: 2022-11-07. Review status: criteria provided, single submitter. Criteria: Ambry Variant Classification Scheme 2023. Collection method: clinical testing. Allele origin: germline.
Comment: The p.Y573D variant (also known as c.1717T>G), located in coding exon 4 of the TMPO gene, results from a T to G substitution at nucleotide position 1717. The tyrosine at codon 573 is replaced by aspartic acid, an amino acid with highly dissimilar properties. This amino acid position is conserved. In addition, the in silico prediction for this alteration is inconclusive. Since supporting evidence is limited at this time, the clinical significance of this alteration remains unclear.